The following is an entry in ClinVar:

ClinVar aggregate classification (germline): Uncertain significance (1 of 4 stars; one submission).

Submission:

Labcorp Genetics (formerly Invitae), Labcorp
Classification: Uncertain significance. Last evaluated: 2022-08-15. Review status: criteria provided, single submitter. Criteria: Invitae Variant Classification Sherloc (09022015). Collection method: clinical testing. Allele origin: germline.
Comment: Algorithms developed to predict the effect of missense changes on protein structure and function are either unavailable or do not agree on the potential impact of this missense change (SIFT: "Deleterious"; PolyPhen-2: "Possibly Damaging"; Align-GVGD: "Class C0"). Algorithms developed to predict the effect of sequence changes on RNA splicing suggest that this variant may create or strengthen a splice site. In summary, the available evidence is currently insufficient to determine the role of this variant in disease. Therefore, it has been classified as a Variant of Uncertain Significance. ClinVar contains an entry for this variant (Variation ID: 1363849). This variant has not been reported in the literature in individuals affected with SMARCD2-related conditions. This variant is not present in population databases (gnomAD no frequency). This sequence change replaces glycine, which is neutral and non-polar, with arginine, which is basic and polar, at codon 79 of the SMARCD2 protein (p.Gly79Arg).

NM_001098426.2(SMARCD2):c.235G>A (p.Gly79Arg)

Gene: SMARCD2 (SWI/SNF related BAF chromatin remodeling complex subunit D2; minus strand). Cytogenetic location: 17q23.3.
Variant type: single nucleotide variant.
Coding change: c.235G>A on transcript NM_001098426.2 (MANE Select); coding-DNA position 235, G replaced by A.
Protein change: p.Gly79Arg; replaces glycine 79 with arginine.
Molecular consequence: missense variant.
Genome position (GRCh38, 1-based): chr17:63,837,607, C>T on the plus strand (G>A on the coding strand, the complement: SMARCD2 is on the minus strand). VCF-style: chr17-63837607-C-T. GRCh37 (hg19) VCF-style: chr17-61914967-C-T.
Other names: c.10G>A, p.Gly4Arg (NM_001330439.1); c.91G>A, p.Gly31Arg (NM_001330440.2); short protein forms G31R, G4R, G79R.
Identifiers: ClinVar variation 1363849 (VCV001363849.8), dbSNP rs2144634785, ClinGen allele CA400601778.